The following is an entry in ClinVar:

ClinVar aggregate classification (germline): Conflicting classifications of pathogenicity. Review status: criteria provided, conflicting classifications (1 of 4 stars). 5 submissions from 5 submitters: Uncertain significance (3); Benign (1). 1 of the submissions does not count toward it. Last evaluated 2026-08-01.

Conditions:
RAD54L-related disorder. Also called: RAD54L-related condition.
Hereditary breast ovarian cancer syndrome. Also called: Hereditary breast and ovarian cancer; Hereditary breast and/or ovarian cancer syndrome; Hereditary breast and ovarian cancer syndrome; Hereditary breast and ovarian cancer syndrome (HBOC); BRCA1- and BRCA2-Associated Hereditary Breast and Ovarian Cancer; Breast and ovarian cancer. Identifiers: Orphanet 145, MedGen C0677776, MeSH D061325, MONDO:0003582. Disease mechanism: loss of function.
Germ cell tumor. Identifiers: MedGen C0205851, MONDO:0005040.

Allele frequency attached by ClinVar (database versions not stated): gnomAD 0.00263 and 0.00269; 1000 Genomes Project 30x 0.00265; ExAC 0.00292; 1000 Genomes Project 0.00300; ESP Exome Variant Server 0.00300; gnomAD exomes 0.00306 and 0.00383; TOPMed 0.00306.

Submissions (5):

CeGaT Center for Human Genetics Tuebingen
Classification: Benign. Last evaluated: 2026-08-01. Review status: criteria provided, single submitter. Criteria: CeGaT Center For Human Genetics Tuebingen Variant Classification Criteria Version 2. Collection method: clinical testing. Allele origin: germline. Affected: yes. Observed: 3 variant alleles.
Comment: RAD54L: BS1, BS2

Molecular Oncology Research Center, Barretos Cancer Hospital
Classification: Uncertain significance for Hereditary breast ovarian cancer syndrome. Last evaluated: 2020-08-01. Review status: criteria provided, single submitter. Criteria: ACMG Guidelines, 2015. Collection method: research. Allele origin: germline. Affected: yes. Observed: 1 variant allele.

Breakthrough Genomics
Classification: Uncertain significance. Review status: criteria provided, single submitter. Criteria: ACMG Guidelines, 2015. Collection method: not provided. Allele origin: germline. Inheritance: Autosomal dominant inheritance. Affected: yes.

Laboratory of Medical Genetics Unit, Bambino Gesù Children's Hospital
Classification: Uncertain significance for Germ cell tumor. Review status: criteria provided, single submitter. Criteria: ACMG Guidelines, 2015. Collection method: research. Allele origin: germline. Affected: yes.
Comment: The variant NM_003579.4 (RAD54L): c.604C>T (p.Arg202Cys) is reported in GnomAD and in literature. It is annotated on Clinvar as VUS in Hereditary Breast Ovarian Cancer Syndrome [RCV001374481.1]. It is classified as VUS following the ACMG criteria (PM2).

PreventionGenetics, part of Exact Sciences
Classification: Benign for RAD54L-related condition. Last evaluated: 2019-06-10. Review status: no assertion criteria provided. Collection method: clinical testing. Allele origin: germline. Not counted in ClinVar's aggregate classification.
Comment: This variant is classified as benign based on ACMG/AMP sequence variant interpretation guidelines (Richards et al. 2015 PMID: 25741868, with internal and published modifications).

NM_003579.4(RAD54L):c.604C>T (p.Arg202Cys)

Gene: RAD54L (RAD54 like; plus strand). Cytogenetic location: 1p34.1.
Variant type: single nucleotide variant.
Coding change: c.604C>T on transcript NM_003579.4 (MANE Select); coding-DNA position 604, C replaced by T.
Protein change: p.Arg202Cys; replaces arginine 202 with cysteine.
Molecular consequence: missense variant.
Genome position (GRCh38, 1-based): chr1:46,260,853, C>T. VCF-style: chr1-46260853-C-T. GRCh37 (hg19) VCF-style: chr1-46726525-C-T.
Other names: c.604C>T, p.Arg202Cys (NM_001142548.2); c.64C>T, p.Arg22Cys (NM_001370766.1); c.604C>T (NM_003579.3); short protein forms R202C, R22C.
Identifiers: ClinVar variation 981808 (VCV000981808.9), dbSNP rs28363218, ClinGen allele CA834312.